The following is an entry in ClinVar:

ClinVar aggregate classification (germline): Uncertain significance (1 of 4 stars; one submission).

Allele frequency attached by ClinVar (database versions not stated): gnomAD exomes below 0.00001.
gnomAD v4.1: 3 of 1,604,216 alleles (0.00019%); highest among the groups gnomAD compares: Non-Finnish European, 0.00026%; no homozygotes.

Submission:

Labcorp Genetics (formerly Invitae), Labcorp
Classification: Uncertain significance. Last evaluated: 2023-08-04. Review status: criteria provided, single submitter. Criteria: Invitae Variant Classification Sherloc (09022015). Collection method: clinical testing. Allele origin: germline.
Comment: This sequence change falls in intron 11 of the ANKH gene. It does not directly change the encoded amino acid sequence of the ANKH protein. It affects a nucleotide within the consensus splice site. This variant is not present in population databases (gnomAD no frequency). This variant has not been reported in the literature in individuals affected with ANKH-related conditions. ClinVar contains an entry for this variant (Variation ID: 1376474). Variants that disrupt the consensus splice site are a relatively common cause of aberrant splicing (PMID: 17576681, 9536098). Algorithms developed to predict the effect of sequence changes on RNA splicing suggest that this variant may disrupt the consensus splice site. In summary, the available evidence is currently insufficient to determine the role of this variant in disease. Therefore, it has been classified as a Variant of Uncertain Significance.

Literature cited by the submitters: PubMed 17576681; PubMed 9536098.

NM_054027.6(ANKH):c.1365+6A>T

Genes: ANKH (ANKH inorganic pyrophosphate transport regulator; minus strand), OTULIN (OTU deubiquitinase with linear linkage specificity; plus strand), LOC100130744 (uncharacterized LOC100130744; plus strand). Cytogenetic location: 5p15.2.
Variant type: single nucleotide variant.
Coding change: c.1365+6A>T on transcript NM_054027.6 (MANE Select); 6 bases into the intron after coding-DNA position 1365, A replaced by T.
Molecular consequence: intron variant. On other transcripts: non-coding transcript variant (1).
Genome position (GRCh38, 1-based): chr5:14,712,868, T>A on the plus strand (A>T on the coding strand, the complement: ANKH is on the minus strand). VCF-style: chr5-14712868-T-A. GRCh37 (hg19) VCF-style: chr5-14712977-T-A.
Identifiers: ClinVar variation 1376474 (VCV001376474.6), dbSNP rs2126401628, ClinGen allele CA2573138590.